The following is an entry in ClinVar:

ClinVar aggregate classification (germline): Uncertain significance (1 of 4 stars; one submission).

Conditions:
Centromeric instability of chromosomes 1,9 and 16 and immunodeficiency (ICF1). Also called: Immunodeficiency-centromeric instability-facial anomalies; IMMUNODEFICIENCY SYNDROME, VARIABLE; IMMUNE DEFICIENCY, VARIABLE, WITH CENTROMERIC INSTABILITY OF CHROMOSOMES 1, 9, AND 16; CENTROMERIC INSTABILITY, IMMUNODEFICIENCY SYNDROME. Identifiers: Orphanet 2268, MedGen C0398788, MONDO:0000133.

Submission:

Labcorp Genetics (formerly Invitae), Labcorp
Classification: Uncertain significance for Centromeric instability of chromosomes 1,9 and 16 and immunodeficiency. Last evaluated: 2022-02-25. Review status: criteria provided, single submitter. Criteria: Invitae Variant Classification Sherloc (09022015). Collection method: clinical testing. Allele origin: germline.
Comment: In summary, the available evidence is currently insufficient to determine the role of this variant in disease. Therefore, it has been classified as a Variant of Uncertain Significance. Algorithms developed to predict the effect of missense changes on protein structure and function (SIFT, PolyPhen-2, Align-GVGD) all suggest that this variant is likely to be tolerated. This variant has not been reported in the literature in individuals affected with DNMT3B-related conditions. This variant is present in population databases (rs760264212, gnomAD 0.0009%). This sequence change replaces valine, which is neutral and non-polar, with leucine, which is neutral and non-polar, at codon 311 of the DNMT3B protein (p.Val311Leu).

NM_006892.4(DNMT3B):c.931G>C (p.Val311Leu)

Gene: DNMT3B (DNA methyltransferase 3 beta; plus strand). Cytogenetic location: 20q11.21.
Variant type: single nucleotide variant.
Coding change: c.931G>C on transcript NM_006892.4 (MANE Select); coding-DNA position 931, G replaced by C.
Protein change: p.Val311Leu; replaces valine 311 with leucine.
Molecular consequence: missense variant.
Genome position (GRCh38, 1-based): chr20:32,792,635, G>C. VCF-style: chr20-32792635-G-C. GRCh37 (hg19) VCF-style: chr20-31380441-G-C.
Other names: c.805G>C, p.Val269Leu (NM_001207055.2); c.703G>C, p.Val235Leu (NM_001207056.2); c.931G>C, p.Val311Leu (NM_175848.2, NM_175849.2); c.967G>C, p.Val323Leu (NM_175850.3); short protein forms V311L, V235L, V323L, V269L.
Identifiers: ClinVar variation 1941304 (VCV001941304.5), dbSNP rs760264212, ClinGen allele CA9810358.
Genomic context (GRCh38, chr20:32,792,635, plus strand): 5'-GCGAGCACCTCCTCCCCACCCCCCCATTCATCACAGACTCTGCCTTTGCAGAAAGCTAGG[G>C]TGCGAGCTGGCAAGACCTTCCCCAGCAGCCCTGGAGACTCATTGGAGGACCAGCTGAAGC-3'
Protein context (NP_008823.1, residues 301-321): AMYHALEKAR[Val311Leu]RAGKTFPSSP